The following is an entry in ClinVar:

NM_001291303.3(FAT4):c.5307+6T>A

Gene: FAT4 (FAT atypical cadherin 4; plus strand). Cytogenetic location: 4q28.1.
Variant type: single nucleotide variant.
Coding change: c.5307+6T>A on transcript NM_001291303.3 (MANE Select); 6 bases into the intron after coding-DNA position 5307, T replaced by A.
Molecular consequence: intron variant.
Genome position (GRCh38, 1-based): chr4:125,398,921, T>A. VCF-style: chr4-125398921-T-A. GRCh37 (hg19) VCF-style: chr4-126320076-T-A.
Other names: c.5307+6T>A (NM_001291285.3, NM_024582.6, NM_024582.5).
Identifiers: ClinVar variation 1409704 (VCV001409704.8), dbSNP rs910280782, ClinGen allele CA104841301.

ClinVar aggregate classification (germline): Uncertain significance. Review status: criteria provided, multiple submitters, no conflicts (2 of 4 stars). 2 submissions from 2 submitters: Uncertain significance (2). Last evaluated 2024-05-07.

Conditions:
Van Maldergem syndrome 2 (VMLDS2). Identifiers: Orphanet 314679, MedGen C3809875, MONDO:0014242, OMIM 615546.
Hennekam lymphangiectasia-lymphedema syndrome 2 (HKLLS2). Identifiers: Orphanet 2136, MedGen C4014939, MONDO:0014454, OMIM 616006.

Allele frequency attached by ClinVar (database versions not stated): gnomAD exomes below 0.00001; TOPMed 0.00003.

Submissions (2):

Fulgent Genetics
Classification: Uncertain significance for Van Maldergem syndrome 2; Hennekam lymphangiectasia-lymphedema syndrome 2. Last evaluated: 2024-05-07. Review status: criteria provided, single submitter. Criteria: ACMG Guidelines, 2015. Collection method: clinical testing. Allele origin: germline.

Labcorp Genetics (formerly Invitae), Labcorp
Classification: Uncertain significance. Last evaluated: 2021-03-25. Review status: criteria provided, single submitter. Criteria: Invitae Variant Classification Sherloc (09022015). Collection method: clinical testing. Allele origin: germline.
Comment: In summary, the available evidence is currently insufficient to determine the role of this variant in disease. Therefore, it has been classified as a Variant of Uncertain Significance. Algorithms developed to predict the effect of sequence changes on RNA splicing suggest that this variant may disrupt the consensus splice site, but this prediction has not been confirmed by published transcriptional studies. This variant has not been reported in the literature in individuals with FAT4-related conditions. This variant is not present in population databases (ExAC no frequency). This sequence change falls in intron 2 of the FAT4 gene. It does not directly change the encoded amino acid sequence of the FAT4 protein, but it affects a nucleotide within the consensus splice site of the intron.